The following is an entry in ClinVar:

ClinVar aggregate classification (germline): Uncertain significance (1 of 4 stars; one submission).

Submission:

GeneDx
Classification: Uncertain significance. Last evaluated: 2025-02-04. Review status: criteria provided, single submitter. Criteria: GeneDx Variant Classification Process June 2021. Collection method: clinical testing. Allele origin: germline. Affected: yes.
Comment: Not observed at significant frequency in large population cohorts (gnomAD); In silico analysis supports that this missense variant has a deleterious effect on protein structure/function; Has not been previously published as pathogenic or benign to our knowledge

NM_022552.5(DNMT3A):c.1072A>C (p.Thr358Pro)

Gene: DNMT3A (DNA methyltransferase 3 alpha; minus strand). Cytogenetic location: 2p23.3.
Variant type: single nucleotide variant.
Coding change: c.1072A>C on transcript NM_022552.5 (MANE Select); coding-DNA position 1072, A replaced by C.
Protein change: p.Thr358Pro; replaces threonine 358 with proline.
Molecular consequence: missense variant. On other transcripts: non-coding transcript variant (1).
Genome position (GRCh38, 1-based): chr2:25,247,101, T>G on the plus strand (A>C on the coding strand, the complement: DNMT3A is on the minus strand). VCF-style: chr2-25247101-T-G. GRCh37 (hg19) VCF-style: chr2-25469970-T-G.
Other names: c.616A>C, p.Thr206Pro (NM_001320893.1); c.403A>C, p.Thr135Pro (NM_001375819.1); c.505A>C, p.Thr169Pro (NM_153759.3); c.1072A>C, p.Thr358Pro (NM_175629.2); short protein forms T135P, T169P, T206P, T358P.
Identifiers: ClinVar variation 4074452 (VCV004074452.1).